The following is an entry in ClinVar:

NM_004369.4(COL6A3):c.7949A>G (p.Asp2650Gly)

Gene: COL6A3 (collagen type VI alpha 3 chain; minus strand). Cytogenetic location: 2q37.3.
Variant type: single nucleotide variant.
Coding change: c.7949A>G on transcript NM_004369.4 (MANE Select); coding-DNA position 7949, A replaced by G.
Protein change: p.Asp2650Gly; replaces aspartic acid 2650 with glycine.
Molecular consequence: missense variant.
Genome position (GRCh38, 1-based): chr2:237,340,967, T>C on the plus strand (A>G on the coding strand, the complement: COL6A3 is on the minus strand). VCF-style: chr2-237340967-T-C. GRCh37 (hg19) VCF-style: chr2-238249610-T-C.
Other names: c.6128A>G, p.Asp2043Gly (NM_057166.5); c.7331A>G, p.Asp2444Gly (NM_057167.4); short protein forms D2650G, D2444G, D2043G.
Identifiers: ClinVar variation 449596 (VCV000449596.2), dbSNP rs1553546590, ClinGen allele CA351197138.
Genomic context (GRCh38, chr2:237,340,967, plus strand): 5'-GCGTGCTGCACAACTGCCACTCTGGCGAAGTGCTGGGAGGCCTTGGGATCTGGGCTCATG[T>C]CCAGTTGTCTGACCAGGTACGCTATGTACTTCTTCATCTCATTGAACTGGAACAGGGTGG-3'
Protein context (NP_004360.2, residues 2640-2660): KYIAYLVRQL[Asp2650Gly]MSPDPKASQH

ClinVar aggregate classification (germline): Uncertain significance (1 of 4 stars; one submission).

Submission:

GeneDx
Classification: Uncertain significance. Last evaluated: 2015-11-16. Review status: criteria provided, single submitter. Criteria: GeneDx Variant Classification (06012015). Collection method: clinical testing. Allele origin: germline. Affected: yes.
Comment: The D2650G variant in the COL6A3 gene has not been reported previously as a pathogenic variant,nor as a benign variant, to our knowledge. The D2650G variant was not observed in approximately6500 individuals of European and African American ancestry in the NHLBI Exome SequencingProject, indicating it is not a common benign variant in these populations. The D2650G variant is anon-conservative amino acid substitution, which is likely to impact secondary protein structure asthese residues differ in polarity, charge, size and/or other properties. This substitution occurs at aposition that is not conserved. In silico analysis is inconsistent in its predictions as to whether or notthe variant is damaging to the protein structure/function.